The following is an entry in ClinVar:

NM_080425.4(GNAS):c.945C>T (p.Pro315=)

Gene: GNAS (GNAS complex locus; plus strand). Cytogenetic location: 20q13.32.
Variant type: single nucleotide variant.
Coding change: c.945C>T on transcript NM_080425.4 (MANE Plus Clinical); coding-DNA position 945, C replaced by T.
Protein change: p.Pro315=; no amino-acid change (proline 315 retained).
Molecular consequence: synonymous variant. On other transcripts: missense variant (2), intron variant (3).
Genome position (GRCh38, 1-based): chr20:58,854,210, C>T. VCF-style: chr20-58854210-C-T. GRCh37 (hg19) VCF-style: chr20-57429265-C-T.
Other names: c.758C>T, p.Pro253Leu (NM_001077490.3, NM_001309883.1); c.945C>T, p.Pro315= (NM_001410913.1); c.*42+13324C>T (NM_016592.5); c.43+13324C>T (NM_001410912.1); c.-39+12335C>T (NM_001309861.2); short protein forms P253L.
Identifiers: ClinVar variation 3060312 (VCV003060312.3), dbSNP rs531441755, ClinGen allele CA9926587.
Genomic context (GRCh38, chr20:58,854,210, plus strand): 5'-CACGGGCAGCAGCCCCTGGATGGAGATCTCCGGACCCCCGTTCGAGATTGGCAGCGCCCC[C>T]GCTGGGGTCGACGACACTCCCGTCAACATGGACAGCCCCCCAATCGCGCTTGACGGCCCG-3'
Protein context (NP_536350.2, residues 305-325): SGPPFEIGSA[Pro315=]AGVDDTPVNM

ClinVar aggregate classification (germline): Uncertain significance (1 of 4 stars; one submission).

Conditions:
GNAS-related disorder. Identifiers: MedGen CN380105.

Allele frequency attached by ClinVar (database versions not stated): 1000 Genomes Project 30x 0.00047; gnomAD exomes 0.00001; ExAC 0.00009; TOPMed 0.00011; 1000 Genomes Project 0.00060; gnomAD 0.00013.
gnomAD v4.1: 40 of 1,613,168 alleles (0.0025%); highest among the groups gnomAD compares: African/African-American, 0.041%; no homozygotes.

Submission:

PreventionGenetics, part of Exact Sciences
Classification: Uncertain significance for GNAS-related condition. Last evaluated: 2024-10-06. Review status: criteria provided, single submitter. Criteria: ACMG Guidelines, 2015. Collection method: clinical testing. Allele origin: germline.
Comment: The GNAS c.758C>T variant is predicted to result in the amino acid substitution p.Pro253Leu. To our knowledge, this variant has not been reported in the literature. This variant is reported in 0.030% of alleles in individuals of African descent in gnomAD. Although we suspect that this variant may be benign, at this time, the clinical significance of this variant is uncertain due to the absence of conclusive functional and genetic evidence.